The following is an entry in ClinVar:

ClinVar aggregate classification (germline): Likely benign (1 of 4 stars; one submission).

gnomAD v4.1: 7,786 of 1,613,114 alleles (0.48%); highest among the groups gnomAD compares: Non-Finnish European, 0.56%; 31 homozygotes.

Submission:

CeGaT Center for Human Genetics Tuebingen
Classification: Likely benign. Last evaluated: 2026-07-01. Review status: criteria provided, single submitter. Criteria: CeGaT Center For Human Genetics Tuebingen Variant Classification Criteria Version 2. Collection method: clinical testing. Allele origin: germline. Affected: yes. Observed: 9 variant alleles.
Comment: ADAMTS4: BP4, BS2

NM_005099.6(ADAMTS4):c.271A>G (p.Thr91Ala)

Genes: ADAMTS4 (ADAM metallopeptidase with thrombospondin type 1 motif 4; minus strand), NDUFS2 (NADH:ubiquinone oxidoreductase core subunit S2; plus strand). Cytogenetic location: 1q23.3.
Variant type: single nucleotide variant.
Coding change: c.271A>G on transcript NM_005099.6 (MANE Select); coding-DNA position 271, A replaced by G.
Protein change: p.Thr91Ala; replaces threonine 91 with alanine.
Molecular consequence: missense variant. On other transcripts: intron variant (2).
Genome position (GRCh38, 1-based): chr1:161,198,357, T>C on the plus strand (A>G on the coding strand, the complement: ADAMTS4 is on the minus strand). VCF-style: chr1-161198357-T-C. GRCh37 (hg19) VCF-style: chr1-161168147-T-C.
Other names: c.271A>G, p.Thr91Ala (NM_001320336.3); c.-240+870T>C (NM_001377300.1, NM_001377298.1); short protein forms T91A.
Identifiers: ClinVar variation 3898090 (VCV003898090.7).